The following is an entry in ClinVar:

NC_000004.11:g.(?_39187326)_(39478735_?)dup

Genes: KLB (klotho beta; plus strand), LIAS (lipoic acid synthetase; plus strand), RFC1 (replication factor C subunit 1; minus strand), RPL9 (ribosomal protein L9; minus strand), WDR19 (WD repeat domain 19; plus strand). Cytogenetic location: 4p14.
Variant type: Duplication.
Identifiers: ClinVar variation 2423343 (VCV002423343.3).

ClinVar aggregate classification (germline): Uncertain significance (1 of 4 stars; one submission).

Submission:

Labcorp Genetics (formerly Invitae), Labcorp
Classification: Uncertain significance. Last evaluated: 2022-10-13. Review status: criteria provided, single submitter. Criteria: Invitae Variant Classification Sherloc (09022015). Collection method: clinical testing. Allele origin: germline.
Comment: A copy number gain of the genomic region encompassing the full coding sequence of the RPL9 gene has been identified. The boundaries of this event are unknown as they extend beyond the assayed region for this gene and therefore may encompass additional genes. As the precise location of this event is unknown, it may be in tandem or it may be located elsewhere in the genome. This variant has not been reported in the literature in individuals affected with RPL9-related conditions. In summary, the available evidence is currently insufficient to determine the role of this variant in disease. Therefore, it has been classified as a Variant of Uncertain Significance.